The following is an entry in ClinVar:

ClinVar aggregate classification (germline): Pathogenic (1 of 4 stars; one submission).

Submission:

Labcorp Genetics (formerly Invitae), Labcorp
Classification: Pathogenic. Last evaluated: 2025-04-22. Review status: criteria provided, single submitter. Criteria: Invitae Variant Classification Sherloc (09022015). Collection method: clinical testing. Allele origin: germline.
Comment: This sequence change creates a premature translational stop signal (p.Trp125*) in the TSPAN12 gene. It is expected to result in an absent or disrupted protein product. Loss-of-function variants in TSPAN12 are known to be pathogenic (PMID: 20159112, 21334594). This variant is not present in population databases (gnomAD no frequency). This premature translational stop signal has been observed in individual(s) with exudative vitreoretinopathy (PMID: 31106028). ClinVar contains an entry for this variant (Variation ID: 2418951). For these reasons, this variant has been classified as Pathogenic.

Literature cited by the submitters: PubMed 20159112; PubMed 21334594; PubMed 31106028.

NM_012338.4(TSPAN12):c.375G>A (p.Trp125Ter)

Gene: TSPAN12 (tetraspanin 12; minus strand). Cytogenetic location: 7q31.31.
Variant type: single nucleotide variant.
Coding change: c.375G>A on transcript NM_012338.4 (MANE Select); coding-DNA position 375, G replaced by A.
Protein change: p.Trp125Ter; replaces tryptophan 125 with a stop codon.
Molecular consequence: nonsense.
Genome position (GRCh38, 1-based): chr7:120,810,556, C>T on the plus strand (G>A on the coding strand, the complement: TSPAN12 is on the minus strand). VCF-style: chr7-120810556-C-T. GRCh37 (hg19) VCF-style: chr7-120450610-C-T.
Other names: short protein forms W125*.
Identifiers: ClinVar variation 2418951 (VCV002418951.6), dbSNP rs2485348892, ClinGen allele CA369137665.